The following is an entry in ClinVar:

NM_020822.3(KCNT1):c.3391G>A (p.Glu1131Lys)

Gene: KCNT1 (potassium sodium-activated channel subfamily T member 1; plus strand). Cytogenetic location: 9q34.3.
Variant type: single nucleotide variant.
Coding change: c.3391G>A on transcript NM_020822.3 (MANE Select); coding-DNA position 3391, G replaced by A.
Protein change: p.Glu1131Lys; replaces glutamic acid 1131 with lysine.
Molecular consequence: missense variant.
Genome position (GRCh38, 1-based): chr9:135,786,410, G>A. VCF-style: chr9-135786410-G-A. GRCh37 (hg19) VCF-style: chr9-138678256-G-A.
Other names: c.3256G>A, p.Glu1086Lys (NM_001272003.2); short protein forms E1086K, E1131K.
Identifiers: ClinVar variation 1434237 (VCV001434237.8), dbSNP rs2131582676, ClinGen allele CA375491948.
Genomic context (GRCh38, chr9:135,786,410, plus strand): 5'-CAGTGGGCCCGGAGGCTGAGCCGCAAGGCGCCCAAGCAGGCAGGCCGGGCGGCGGCCGCG[G>A]AGTGGATCAGCCAGCAGCGCCTCAGCCTGTACCGGCGCTCTGAGCGCCAGGAGCTCTCCG-3'
Protein context (NP_065873.2, residues 1121-1141): PKQAGRAAAA[Glu1131Lys]WISQQRLSLY

ClinVar aggregate classification (germline): Uncertain significance (1 of 4 stars; one submission).

Conditions:
Developmental and epileptic encephalopathy, 14 (DEE14). Also called: Early infantile epileptic encephalopathy 14. Identifiers: Orphanet 293181, MedGen C3554195, MONDO:0013989, OMIM 614959.
Autosomal dominant nocturnal frontal lobe epilepsy 5. Also called: KCNT1-Related Epilepsy; CILIARY DYSKINESIA, PRIMARY, 28, WITH SITUS INVERSUS; Epilepsy, nocturnal frontal lobe, 5; CILIARY DYSKINESIA, PRIMARY, 28, WITHOUT SITUS INVERSUS. Identifiers: Orphanet 98784, MedGen C3554306, MONDO:0014002, OMIM 615005.

Submission:

Labcorp Genetics (formerly Invitae), Labcorp
Classification: Uncertain significance for Autosomal dominant nocturnal frontal lobe epilepsy 5; Developmental and epileptic encephalopathy, 14. Last evaluated: 2023-12-03. Review status: criteria provided, single submitter. Criteria: Invitae Variant Classification Sherloc (09022015). Collection method: clinical testing. Allele origin: germline.
Comment: This sequence change replaces glutamic acid, which is acidic and polar, with lysine, which is basic and polar, at codon 1131 of the KCNT1 protein (p.Glu1131Lys). This variant is not present in population databases (gnomAD no frequency). This variant has not been reported in the literature in individuals affected with KCNT1-related conditions. ClinVar contains an entry for this variant (Variation ID: 1434237). Advanced modeling of protein sequence and biophysical properties (such as structural, functional, and spatial information, amino acid conservation, physicochemical variation, residue mobility, and thermodynamic stability) performed at Invitae indicates that this missense variant is not expected to disrupt KCNT1 protein function with a negative predictive value of 80%. In summary, the available evidence is currently insufficient to determine the role of this variant in disease. Therefore, it has been classified as a Variant of Uncertain Significance.